The following is an entry in ClinVar:

NM_025243.4(SLC19A3):c.516del (p.Asn173fs)

Gene: SLC19A3 (solute carrier family 19 member 3; minus strand). Cytogenetic location: 2q36.3.
Variant type: Deletion.
Coding change: c.516del on transcript NM_025243.4 (MANE Select); coding-DNA position 516, one base deleted (C; older notation c.516delC).
Protein change: p.Asn173fs; shifts the reading frame from asparagine 173.
Molecular consequence: frameshift variant.
Genome position (GRCh38, 1-based): chr2:227,699,199, G deleted on the plus strand (C on the coding strand, the reverse complement: SLC19A3 is on the minus strand). VCF-style (leftmost placement, unchanged base first): chr2-227699198-TG-T. GRCh37 (hg19) VCF-style: chr2-228563914-TG-T.
Other names: c.516del, p.Asn173fs (NM_001371411.1, NM_001371412.1); c.504del, p.Asn169fs (NM_001371413.1, NM_001371414.1); short protein forms N169fs, N173fs.
Identifiers: ClinVar variation 5015700 (VCV005015700.1).

ClinVar aggregate classification (germline): Pathogenic (1 of 4 stars; one submission).

Conditions:
Biotin-responsive basal ganglia disease (BTBGD). Also called: Thiamine metabolism dysfunction syndrome 2 (biotin- or thiamine-responsive encephalopathy type 2); Thiamine metabolism dysfunction syndrome type 2; Thiamine Transporter-2 Deficiency; thiamine-responsive encephalopathy; THIAMINE METABOLISM DYSFUNCTION SYNDROME 2 (BIOTIN- AND THIAMINE-RESPONSIVE TYPE). Identifiers: Orphanet 199348, Orphanet 65284, MedGen C1843807, MONDO:0011841, OMIM 607483.

Submission:

Myriad Genetics, Inc.
Classification: Pathogenic for Biotin-responsive basal ganglia disease. Last evaluated: 2026-03-19. Review status: criteria provided, single submitter. Criteria: Myriad Autosomal Dominant, Autosomal Recessive and X-Linked Classification Criteria (2023). Collection method: clinical testing. Allele origin: unknown.
Comment: NM_025243.3(SLC19A3):c.516delC(N173Tfs*35) is expected to be pathogenic in the context of biotin-thiamine-responsive basal ganglia disease. This variant is predicted to lead to an abnormal or absent protein product due to the creation of a premature termination codon in SLC19A3, a gene where loss-of-function variants are known to be pathogenic. Please note: this variant was assessed in the context of healthy population screening.